The following is an entry in ClinVar:

NM_001378778.1(MPDZ):c.4034C>A (p.Thr1345Lys)

Gene: MPDZ (multiple PDZ domain crumbs cell polarity complex component; minus strand). Cytogenetic location: 9p23.
Variant type: single nucleotide variant.
Coding change: c.4034C>A on transcript NM_001378778.1 (MANE Select); coding-DNA position 4034, C replaced by A.
Protein change: p.Thr1345Lys; replaces threonine 1345 with lysine.
Molecular consequence: missense variant.
Genome position (GRCh38, 1-based): chr9:13,138,123, G>T on the plus strand (C>A on the coding strand, the complement: MPDZ is on the minus strand). VCF-style: chr9-13138123-G-T. GRCh37 (hg19) VCF-style: chr9-13138122-G-T.
Other names: c.3935C>A, p.Thr1312Lys (NM_001261406.2, NM_001261407.2, NM_001375416.1 and 3 more transcripts); c.4034C>A, p.Thr1345Lys (NM_001330637.2, NM_001375413.1, NM_003829.5); c.3824C>A, p.Thr1275Lys (NM_001375420.1, NM_001375421.1, NM_001375422.1 and 4 more transcripts); c.3626C>A, p.Thr1209Lys (NM_001375427.1); short protein forms T1312K, T1345K, T1209K, T1275K.
Identifiers: ClinVar variation 2000113 (VCV002000113.4), dbSNP rs887936874, ClinGen allele CA372949375.

ClinVar aggregate classification (germline): Uncertain significance (1 of 4 stars; one submission).

Allele frequency attached by ClinVar (database versions not stated): TOPMed below 0.00001; gnomAD 0.00001.

Submission:

Labcorp Genetics (formerly Invitae), Labcorp
Classification: Uncertain significance. Last evaluated: 2022-10-21. Review status: criteria provided, single submitter. Criteria: Invitae Variant Classification Sherloc (09022015). Collection method: clinical testing. Allele origin: germline.
Comment: In summary, the available evidence is currently insufficient to determine the role of this variant in disease. Therefore, it has been classified as a Variant of Uncertain Significance. Algorithms developed to predict the effect of missense changes on protein structure and function are either unavailable or do not agree on the potential impact of this missense change (SIFT: "Deleterious"; PolyPhen-2: "Benign"; Align-GVGD: "Class C15"). This variant has not been reported in the literature in individuals affected with MPDZ-related conditions. The frequency data for this variant in the population databases is considered unreliable, as metrics indicate poor data quality at this position in the gnomAD database. This sequence change replaces threonine, which is neutral and polar, with lysine, which is basic and polar, at codon 1345 of the MPDZ protein (p.Thr1345Lys).